The following is an entry in ClinVar:

ClinVar aggregate classification (germline): Uncertain significance (1 of 4 stars; one submission).

Conditions:
Hereditary cancer-predisposing syndrome. Also called: Hereditary Cancer Syndrome; Hereditary neoplastic syndrome; Neoplastic Syndromes, Hereditary; Tumor predisposition. Identifiers: Orphanet 140162, MedGen C0027672, MeSH D009386, MONDO:0015356.

Submission:

Ambry Genetics
Classification: Uncertain significance for Hereditary cancer-predisposing syndrome. Last evaluated: 2022-10-20. Review status: criteria provided, single submitter. Criteria: Ambry Variant Classification Scheme 2023. Collection method: clinical testing. Allele origin: germline.
Comment: The p.Y1544F variant (also known as c.4631A>T), located in coding exon 30 of the ATM gene, results from an A to T substitution at nucleotide position 4631. The tyrosine at codon 1544 is replaced by phenylalanine, an amino acid with highly similar properties. This amino acid position is conserved. In addition, this alteration is predicted to be tolerated by in silico analysis. Since supporting evidence is limited at this time, the clinical significance of this alteration remains unclear.

NM_000051.4(ATM):c.4631A>T (p.Tyr1544Phe)

Gene: ATM (ATM serine/threonine kinase; plus strand). Cytogenetic location: 11q22.3.
Variant type: single nucleotide variant.
Coding change: c.4631A>T on transcript NM_000051.4 (MANE Select); coding-DNA position 4631, A replaced by T.
Protein change: p.Tyr1544Phe; replaces tyrosine 1544 with phenylalanine.
Molecular consequence: missense variant.
Genome position (GRCh38, 1-based): chr11:108,293,332, A>T. VCF-style: chr11-108293332-A-T. GRCh37 (hg19) VCF-style: chr11-108164059-A-T.
Other names: c.4631A>T, p.Tyr1544Phe (NM_001351834.2); short protein forms Y1544F.
Identifiers: ClinVar variation 1742045 (VCV001742045.2), dbSNP rs779718362, ClinGen allele CA382534604.